The following is an entry in ClinVar:

NM_002292.4(LAMB2):c.2470G>A (p.Gly824Ser)

Gene: LAMB2 (laminin subunit beta 2; minus strand). Cytogenetic location: 3p21.31.
Variant type: single nucleotide variant.
Coding change: c.2470G>A on transcript NM_002292.4 (MANE Select); coding-DNA position 2470, G replaced by A.
Protein change: p.Gly824Ser; replaces glycine 824 with serine.
Molecular consequence: missense variant.
Genome position (GRCh38, 1-based): chr3:49,125,765, C>T on the plus strand (G>A on the coding strand, the complement: LAMB2 is on the minus strand). VCF-style: chr3-49125765-C-T. GRCh37 (hg19) VCF-style: chr3-49163198-C-T.
Other names: short protein forms G824S.
Identifiers: ClinVar variation 955865 (VCV000955865.8), dbSNP rs775759513, ClinGen allele CA2394297.

ClinVar aggregate classification (germline): Uncertain significance. Review status: criteria provided, multiple submitters, no conflicts (2 of 4 stars). 2 submissions from 2 submitters: Uncertain significance (2). Last evaluated 2022-10-06.

Conditions:
Pierson syndrome. Also called: MICROCORIA-CONGENITAL NEPHROTIC SYNDROME. Identifiers: Orphanet 2670, MedGen C1836876, MONDO:0012184, OMIM 609049.
LAMB2-related infantile-onset nephrotic syndrome. Also called: Nephrotic Syndrome, type 5; NEPHROTIC SYNDROME, TYPE 5, WITHOUT OCULAR ABNORMALITIES; NEPHROTIC SYNDROME, TYPE 5, WITH OCULAR ABNORMALITIES. Identifiers: Orphanet 306507, MedGen C3280113, MONDO:0013621, OMIM 614199.
Inborn genetic diseases. Identifiers: MedGen C0950123, MeSH D030342.

Allele frequency attached by ClinVar (database versions not stated): ExAC 0.00001; gnomAD exomes 0.00001.
gnomAD v4.1: 13 of 1,614,000 alleles (0.00081%); highest among the groups gnomAD compares: Non-Finnish European, 0.0011%; no homozygotes.

Submissions (2):

Ambry Genetics
Classification: Uncertain significance for Inborn genetic diseases. Last evaluated: 2022-10-06. Review status: criteria provided, single submitter. Criteria: Ambry Variant Classification Scheme 2023. Collection method: clinical testing. Allele origin: germline.

Labcorp Genetics (formerly Invitae), Labcorp
Classification: Uncertain significance for LAMB2-related infantile-onset nephrotic syndrome; Pierson syndrome. Last evaluated: 2019-08-24. Review status: criteria provided, single submitter. Criteria: Invitae Variant Classification Sherloc (09022015). Collection method: clinical testing. Allele origin: germline.
Comment: This variant is present in population databases (rs775759513, ExAC 0.002%). This sequence change replaces glycine with serine at codon 824 of the LAMB2 protein (p.Gly824Ser). The glycine residue is highly conserved and there is a small physicochemical difference between glycine and serine. This variant has not been reported in the literature in individuals with LAMB2-related conditions. Algorithms developed to predict the effect of missense changes on protein structure and function (SIFT, PolyPhen-2, Align-GVGD) all suggest that this variant is likely to be disruptive, but these predictions have not been confirmed by published functional studies and their clinical significance is uncertain. Algorithms developed to predict the effect of sequence changes on RNA splicing suggest that this variant may create or strengthen a splice site, but this prediction has not been confirmed by published transcriptional studies. In summary, the available evidence is currently insufficient to determine the role of this variant in disease. Therefore, it has been classified as a Variant of Uncertain Significance.